The following is an entry in ClinVar:

ClinVar aggregate classification (germline): Uncertain significance. Review status: criteria provided, multiple submitters, no conflicts (2 of 4 stars). 2 submissions from 2 submitters: Uncertain significance (2). Last evaluated 2024-04-15.

Conditions:
Episodic kinesigenic dyskinesia (EKD). Also called: Paroxysmal kinesigenic dyskinesia. Identifiers: Orphanet 98809, MedGen C1868682, MONDO:0044202.

Allele frequency attached by ClinVar (database versions not stated): gnomAD exomes below 0.00001.

Submissions (2):

Blueprint Genetics
Classification: Uncertain significance. Last evaluated: 2024-04-15. Review status: criteria provided, single submitter. Criteria: ACMG Guidelines, 2015. Collection method: clinical testing. Allele origin: germline.

Labcorp Genetics (formerly Invitae), Labcorp
Classification: Uncertain significance for Episodic kinesigenic dyskinesia. Last evaluated: 2021-03-05. Review status: criteria provided, single submitter. Criteria: Invitae Variant Classification Sherloc (09022015). Collection method: clinical testing. Allele origin: germline.
Comment: This sequence change replaces alanine with threonine at codon 76 of the PRRT2 protein (p.Ala76Thr). The alanine residue is weakly conserved and there is a small physicochemical difference between alanine and threonine. This variant is not present in population databases (ExAC no frequency). This variant has not been reported in the literature in individuals with PRRT2-related conditions. Algorithms developed to predict the effect of missense changes on protein structure and function output the following: SIFT: "Tolerated"; PolyPhen-2: "Benign"; Align-GVGD: "Class C0". The threonine amino acid residue is found in multiple mammalian species, suggesting that this missense change does not adversely affect protein function. These predictions have not been confirmed by published functional studies and their clinical significance is uncertain. In summary, the available evidence is currently insufficient to determine the role of this variant in disease. Therefore, it has been classified as a Variant of Uncertain Significance.

NM_145239.3(PRRT2):c.226G>A (p.Ala76Thr)

Genes: MVP-DT (MVP divergent transcript; minus strand), PRRT2 (proline rich transmembrane protein 2; plus strand). Cytogenetic location: 16p11.2.
Variant type: single nucleotide variant.
Coding change: c.226G>A on transcript NM_145239.3 (MANE Select); coding-DNA position 226, G replaced by A.
Protein change: p.Ala76Thr; replaces alanine 76 with threonine.
Molecular consequence: missense variant.
Genome position (GRCh38, 1-based): chr16:29,813,280, G>A. VCF-style: chr16-29813280-G-A. GRCh37 (hg19) VCF-style: chr16-29824601-G-A.
Other names: c.226G>A, p.Ala76Thr (NM_001256442.2, NM_001256443.2); short protein forms A76T.
Identifiers: ClinVar variation 1044757 (VCV001044757.10), dbSNP rs1900070727, ClinGen allele CA395477743.